The following is an entry in ClinVar:

ClinVar aggregate classification (germline): Uncertain significance (1 of 4 stars; one submission).

Conditions:
Retinoblastoma (RB1). Also called: RETINOBLASTOMA, SOMATIC. Identifiers: Orphanet 790, MedGen C0035335, MeSH D012175, MONDO:0008380, OMIM 180200, HP:0009919. Disease mechanism: loss of function. Inheritance: Both sporadic and heritable forms are tested..

Allele frequency attached by ClinVar (database versions not stated): gnomAD exomes below 0.00001.
gnomAD v4.1: 3 of 1,603,950 alleles (0.00019%); highest among the groups gnomAD compares: Non-Finnish European, 0.00026%; no homozygotes.

Submission:

Labcorp Genetics (formerly Invitae), Labcorp
Classification: Uncertain significance for Retinoblastoma. Last evaluated: 2021-08-18. Review status: criteria provided, single submitter. Criteria: Invitae Variant Classification Sherloc (09022015). Collection method: clinical testing. Allele origin: germline.
Comment: This sequence change replaces aspartic acid with histidine at codon 346 of the RB1 protein (p.Asp346His). The aspartic acid residue is highly conserved and there is a moderate physicochemical difference between aspartic acid and histidine. This variant is not present in population databases (ExAC no frequency). This variant has not been reported in the literature in individuals affected with RB1-related conditions. Algorithms developed to predict the effect of missense changes on protein structure and function are either unavailable or do not agree on the potential impact of this missense change (SIFT: "Deleterious"; PolyPhen-2: "Benign"; Align-GVGD: "Class C0"). In summary, the available evidence is currently insufficient to determine the role of this variant in disease. Therefore, it has been classified as a Variant of Uncertain Significance.

NM_000321.3(RB1):c.1036G>C (p.Asp346His)

Gene: RB1 (RB transcriptional corepressor 1; plus strand). Cytogenetic location: 13q14.2.
Variant type: single nucleotide variant.
Coding change: c.1036G>C on transcript NM_000321.3 (MANE Select); coding-DNA position 1036, G replaced by C.
Protein change: p.Asp346His; replaces aspartic acid 346 with histidine.
Molecular consequence: missense variant.
Genome position (GRCh38, 1-based): chr13:48,367,590, G>C. VCF-style: chr13-48367590-G-C. GRCh37 (hg19) VCF-style: chr13-48941726-G-C.
Other names: short protein forms D346H.
Identifiers: ClinVar variation 1376084 (VCV001376084.6), dbSNP rs2138121489, ClinGen allele CA388160917.
Genomic context (GRCh38, chr13:48,367,590, plus strand): 5'-CTTAAAAATAAAGATCTAGATGCAAGATTATTTTTGGATCATGATAAAACTCTTCAGACT[G>C]ATTCTATAGACAGGTATTGCACATGGTATATTTGATTGATTTGCTTTAGATATAGGTTGA-3'
Protein context (NP_000312.2, residues 336-356): FLDHDKTLQT[Asp346His]SIDSFETQRT